The following is an entry in ClinVar:

NM_001083962.2(TCF4):c.73-306G>A

Gene: TCF4 (transcription factor 4; minus strand). Cytogenetic location: 18q21.2.
Variant type: single nucleotide variant.
Coding change: c.73-306G>A on transcript NM_001083962.2 (MANE Select); 306 bases into the intron before coding-DNA position 73, G replaced by A.
Molecular consequence: intron variant.
Genome position (GRCh38, 1-based): chr18:55,585,658, C>T on the plus strand (G>A on the coding strand, the complement: TCF4 is on the minus strand). VCF-style: chr18-55585658-C-T. GRCh37 (hg19) VCF-style: chr18-53252889-C-T.
Other names: c.379-306G>A (NM_001243226.3); c.1-306G>A (NM_001369584.1, NM_001369576.1, NM_001369577.1 and 12 more transcripts); c.73-306G>A (NM_001369571.1, NM_001369567.1, NM_001243228.2 and 8 more transcripts); c.67-306G>A (NM_001243230.2); c.-1+153G>A (NM_001348220.1, NM_001306207.1, NM_001348217.1).
Identifiers: ClinVar variation 667544 (VCV000667544.2), dbSNP rs34603418, ClinGen allele CA15917642.

ClinVar aggregate classification (germline): Benign. Review status: criteria provided, multiple submitters, no conflicts (2 of 4 stars). 2 submissions from 2 submitters: Benign (2). Last evaluated 2018-06-18.

Allele frequency attached by ClinVar (database versions not stated): 1000 Genomes Project 0.12500; 1000 Genomes Project 30x 0.12539; gnomAD 0.13399 and 0.13488; TOPMed 0.13862.
gnomAD v4.1: 106,864 of 715,118 alleles (15%); highest among the groups gnomAD compares: Admixed American, 27%; 9,021 homozygotes.

Submissions (2):

GeneDx
Classification: Benign. Last evaluated: 2018-06-18. Review status: criteria provided, single submitter. Criteria: GeneDx Variant Classification (06012015). Collection method: clinical testing. Allele origin: germline. Affected: yes.
Comment: This variant is considered likely benign or benign based on one or more of the following criteria: it is a conservative change, it occurs at a poorly conserved position in the protein, it is predicted to be benign by multiple in silico algorithms, and/or has population frequency not consistent with disease.

Breakthrough Genomics
Classification: Benign. Review status: criteria provided, single submitter. Criteria: ACMG Guidelines, 2015. Collection method: not provided. Allele origin: germline. Inheritance: Autosomal dominant inheritance. Affected: yes.